The following is an entry in ClinVar:

NM_025137.4(SPG11):c.6443A>C (p.Asn2148Thr)

Gene: SPG11 (SPG11 vesicle trafficking associated, spatacsin; minus strand). Cytogenetic location: 15q21.1.
Variant type: single nucleotide variant.
Coding change: c.6443A>C on transcript NM_025137.4 (MANE Select); coding-DNA position 6443, A replaced by C.
Protein change: p.Asn2148Thr; replaces asparagine 2148 with threonine.
Molecular consequence: missense variant.
Genome position (GRCh38, 1-based): chr15:44,570,559, T>G on the plus strand (A>C on the coding strand, the complement: SPG11 is on the minus strand). VCF-style: chr15-44570559-T-G. GRCh37 (hg19) VCF-style: chr15-44862757-T-G.
Other names: c.6104A>C, p.Asn2035Thr (NM_001160227.2); c.6299A>C, p.Asn2100Thr (NM_001411132.1); short protein forms N2035T, N2148T, N2100T.
Identifiers: ClinVar variation 2176020 (VCV002176020.4), dbSNP rs2505205362, ClinGen allele CA392216301.

ClinVar aggregate classification (germline): Uncertain significance (1 of 4 stars; one submission).

Conditions:
Hereditary spastic paraplegia 11. Also called: SPASTIC PARAPLEGIA, AUTOSOMAL RECESSIVE, COMPLICATED, WITH THIN CORPUS CALLOSUM; SPASTIC PARAPLEGIA, AUTOSOMAL RECESSIVE, WITH MENTAL IMPAIRMENT AND THIN CORPUS CALLOSUM; Spastic Paraplegia 11; Nakamura Osame syndrome; Autosomal recessive hereditary spastic paraplegia, mental impairment, and thin corpus callosum; Spastic paraplegia, mental retardation and thin corpus callosum. Identifiers: Orphanet 2822, MedGen C1858479, MONDO:0011445, OMIM 604360.

gnomAD v4.1: 1 of 1,614,110 alleles (0.000062%); highest among the groups gnomAD compares: Admixed American, 0.0017%; no homozygotes.

Submission:

Labcorp Genetics (formerly Invitae), Labcorp
Classification: Uncertain significance for Hereditary spastic paraplegia 11. Last evaluated: 2022-07-11. Review status: criteria provided, single submitter. Criteria: Invitae Variant Classification Sherloc (09022015). Collection method: clinical testing. Allele origin: germline.
Comment: In summary, the available evidence is currently insufficient to determine the role of this variant in disease. Therefore, it has been classified as a Variant of Uncertain Significance. Algorithms developed to predict the effect of missense changes on protein structure and function are either unavailable or do not agree on the potential impact of this missense change (SIFT: "Tolerated"; PolyPhen-2: "Possibly Damaging"; Align-GVGD: "Class C0"). This variant has not been reported in the literature in individuals affected with SPG11-related conditions. This variant is not present in population databases (gnomAD no frequency). This sequence change replaces asparagine, which is neutral and polar, with threonine, which is neutral and polar, at codon 2148 of the SPG11 protein (p.Asn2148Thr).